The following is an entry in ClinVar:

ClinVar aggregate classification (germline): Likely benign. Review status: criteria provided, multiple submitters, no conflicts (2 of 4 stars). 2 submissions from 2 submitters: Likely benign (2). Last evaluated 2026-06-28.

Conditions:
CNGA3-related disorder. Also called: CNGA3-related condition.

Allele frequency attached by ClinVar (database versions not stated): gnomAD 0.00001; gnomAD exomes 0.00001; TOPMed 0.00001; ExAC 0.00002; ESP Exome Variant Server 0.00015.

Submissions (2):

PreventionGenetics, part of Exact Sciences
Classification: Likely benign for CNGA3-related condition. Last evaluated: 2026-06-28. Review status: criteria provided, single submitter. Criteria: ACMG Guidelines, 2015. Collection method: clinical testing. Allele origin: germline.
Comment: This variant is classified as likely benign based on ACMG/AMP sequence variant interpretation guidelines (Richards et al. 2015 PMID: 25741868, with internal and published modifications).

Labcorp Genetics (formerly Invitae), Labcorp
Classification: Likely benign. Last evaluated: 2023-11-03. Review status: criteria provided, single submitter. Criteria: Invitae Variant Classification Sherloc (09022015). Collection method: clinical testing. Allele origin: germline.

NM_001298.3(CNGA3):c.939C>T (p.Ile313=)

Gene: CNGA3 (cyclic nucleotide gated channel subunit alpha 3; plus strand). Cytogenetic location: 2q11.2.
Variant type: single nucleotide variant.
Coding change: c.939C>T on transcript NM_001298.3 (MANE Select); coding-DNA position 939, C replaced by T.
Protein change: p.Ile313=; no amino-acid change (isoleucine 313 retained).
Molecular consequence: synonymous variant.
Genome position (GRCh38, 1-based): chr2:98,396,109, C>T. VCF-style: chr2-98396109-C-T. GRCh37 (hg19) VCF-style: chr2-99012572-C-T.
Other names: c.885C>T, p.Ile295= (NM_001079878.2); c.939C>T (NM_001298.2).
Identifiers: ClinVar variation 1614288 (VCV001614288.9), dbSNP rs138545096, ClinGen allele CA1793923.
Genomic context (GRCh38, chr2:98,396,109, plus strand): 5'-AAGGACCAACTACCCCAATATGTTCAGGATTGGGAACTTGGTCTTGTACATTCTCATCAT[C>T]ATCCACTGGAATGCCTGCATCTACTTTGCCATTTCCAAGTTCATTGGTTTTGGGACAGAC-3'
Protein context (NP_001289.1, residues 303-323): IGNLVLYILI[Ile313=]IHWNACIYFA